The following is an entry in ClinVar:

ClinVar aggregate classification (germline): Uncertain significance (1 of 4 stars; one submission).

Conditions:
Chédiak-Higashi syndrome (CHS). Also called: Chediak-Higashi Syndrome. Identifiers: Orphanet 167, MedGen C0007965, MONDO:0008963, OMIM 214500.

Allele frequency attached by ClinVar (database versions not stated): gnomAD exomes below 0.00001.
gnomAD v4.1: 2 of 1,587,306 alleles (0.00013%); highest among the groups gnomAD compares: Admixed American, 0.0017%; no homozygotes.

Submission:

Labcorp Genetics (formerly Invitae), Labcorp
Classification: Uncertain significance for Chédiak-Higashi syndrome. Last evaluated: 2024-09-02. Review status: criteria provided, single submitter. Criteria: Invitae Variant Classification Sherloc (09022015). Collection method: clinical testing. Allele origin: germline.
Comment: This sequence change replaces leucine, which is neutral and non-polar, with valine, which is neutral and non-polar, at codon 1362 of the LYST protein (p.Leu1362Val). This variant is not present in population databases (gnomAD no frequency). This variant has not been reported in the literature in individuals affected with LYST-related conditions. ClinVar contains an entry for this variant (Variation ID: 525161). Invitae Evidence Modeling of protein sequence and biophysical properties (such as structural, functional, and spatial information, amino acid conservation, physicochemical variation, residue mobility, and thermodynamic stability) indicates that this missense variant is not expected to disrupt LYST protein function with a negative predictive value of 80%. In summary, the available evidence is currently insufficient to determine the role of this variant in disease. Therefore, it has been classified as a Variant of Uncertain Significance.

NM_000081.4(LYST):c.4084T>G (p.Leu1362Val)

Gene: LYST (lysosomal trafficking regulator; minus strand). Cytogenetic location: 1q42.3.
Variant type: single nucleotide variant.
Coding change: c.4084T>G on transcript NM_000081.4 (MANE Select); coding-DNA position 4084, T replaced by G.
Protein change: p.Leu1362Val; replaces leucine 1362 with valine.
Molecular consequence: missense variant.
Genome position (GRCh38, 1-based): chr1:235,793,535, A>C on the plus strand (T>G on the coding strand, the complement: LYST is on the minus strand). VCF-style: chr1-235793535-A-C. GRCh37 (hg19) VCF-style: chr1-235956835-A-C.
Other names: c.4084T>G, p.Leu1362Val (NM_001301365.1); short protein forms L1362V.
Identifiers: ClinVar variation 525161 (VCV000525161.10), dbSNP rs2526932938, ClinGen allele CA344960678.